The following is an entry in ClinVar:

ClinVar aggregate classification (germline): Uncertain significance. Review status: criteria provided, multiple submitters, no conflicts (2 of 4 stars). 2 submissions from 2 submitters: Uncertain significance (2). Last evaluated 2024-02-24.

Conditions:
Inborn genetic diseases. Identifiers: MedGen C0950123, MeSH D030342.

Allele frequency attached by ClinVar (database versions not stated): gnomAD exomes 0.00001; TOPMed 0.00005; ESP Exome Variant Server 0.00014.
gnomAD v4.1: 16 of 1,548,326 alleles (0.001%); highest among the groups gnomAD compares: African/African-American, 0.018%; no homozygotes.

Submissions (2):

Labcorp Genetics (formerly Invitae), Labcorp
Classification: Uncertain significance. Last evaluated: 2024-02-24. Review status: criteria provided, single submitter. Criteria: Invitae Variant Classification Sherloc (09022015). Collection method: clinical testing. Allele origin: germline.
Comment: This sequence change replaces threonine, which is neutral and polar, with lysine, which is basic and polar, at codon 10 of the NKX3-2 protein (p.Thr10Lys). The frequency data for this variant in the population databases is considered unreliable, as metrics indicate poor data quality at this position in the gnomAD database. This variant has not been reported in the literature in individuals affected with NKX3-2-related conditions. ClinVar contains an entry for this variant (Variation ID: 1054871). An algorithm developed to predict the effect of missense changes on protein structure and function (PolyPhen-2) suggests that this variant is likely to be disruptive. In summary, the available evidence is currently insufficient to determine the role of this variant in disease. Therefore, it has been classified as a Variant of Uncertain Significance.

Ambry Genetics
Classification: Uncertain significance for Inborn genetic diseases. Last evaluated: 2024-02-13. Review status: criteria provided, single submitter. Criteria: Ambry Variant Classification Scheme 2023. Collection method: clinical testing. Allele origin: germline.

NM_001189.4(NKX3-2):c.29C>A (p.Thr10Lys)

Gene: NKX3-2 (NK3 homeobox 2; minus strand). Cytogenetic location: 4p15.33.
Variant type: single nucleotide variant.
Coding change: c.29C>A on transcript NM_001189.4 (MANE Select); coding-DNA position 29, C replaced by A.
Protein change: p.Thr10Lys; replaces threonine 10 with lysine.
Molecular consequence: missense variant.
Genome position (GRCh38, 1-based): chr4:13,544,386, G>T on the plus strand (C>A on the coding strand, the complement: NKX3-2 is on the minus strand). VCF-style: chr4-13544386-G-T. GRCh37 (hg19) VCF-style: chr4-13546010-G-T.
Other names: c.29C>A (NM_001189.3); short protein forms T10K.
Identifiers: ClinVar variation 1054871 (VCV001054871.10), dbSNP rs369239936, ClinGen allele CA92473853.
Genomic context (GRCh38, chr4:13,544,386, plus strand): 5'-GGCGCGGCCAGCCCGCCGCGCTCCTCTTTCTTGTTGAGGATCGCCTGGATGGAGAAGGAC[G>T]TCAAGGTGTTGGCGCCGCGCACAGCCATCTGCGCCGCGGGCAGGAGCGGCCGGCGGGGCG-3'
Protein context (NP_001180.1, residues 1-20): MAVRGANTL[Thr10Lys]SFSIQAILNK